The following is an entry in ClinVar:

NM_001868.4(CPA1):c.975C>A (p.Asp325Glu)

Gene: CPA1 (carboxypeptidase A1; plus strand). Cytogenetic location: 7q32.2.
Variant type: single nucleotide variant.
Coding change: c.975C>A on transcript NM_001868.4 (MANE Select); coding-DNA position 975, C replaced by A.
Protein change: p.Asp325Glu; replaces aspartic acid 325 with glutamic acid.
Molecular consequence: missense variant.
Genome position (GRCh38, 1-based): chr7:130,385,333, C>A. VCF-style: chr7-130385333-C-A. GRCh37 (hg19) VCF-style: chr7-130025174-C-A.
Other names: short protein forms D325E.
Identifiers: ClinVar variation 1768094 (VCV001768094.6), dbSNP rs782658284, ClinGen allele CA4485000.

ClinVar aggregate classification (germline): Uncertain significance. Review status: criteria provided, multiple submitters, no conflicts (2 of 4 stars). 3 submissions from 3 submitters: Uncertain significance (3). Last evaluated 2024-03-11.

Conditions:
Hereditary pancreatitis (PCTT). Also called: Hereditary chronic pancreatitis; PRSS1-Related Hereditary Pancreatitis. Identifiers: Orphanet 676, MedGen C0238339, MONDO:0008185, OMIM 167800.

Allele frequency attached by ClinVar (database versions not stated): gnomAD exomes below 0.00001; ExAC 0.00001.
gnomAD v4.1: 8 of 1,614,136 alleles (0.0005%); highest among the groups gnomAD compares: Non-Finnish European, 0.00059%; no homozygotes.

Submissions (3):

Ambry Genetics
Classification: Uncertain significance for Hereditary pancreatitis. Last evaluated: 2024-03-11. Review status: criteria provided, single submitter. Criteria: Ambry Variant Classification Scheme 2023. Collection method: clinical testing. Allele origin: germline.
Comment: The p.D325E variant (also known as c.975C>A), located in coding exon 8 of the CPA1 gene, results from a C to A substitution at nucleotide position 975. The aspartic acid at codon 325 is replaced by glutamic acid, an amino acid with highly similar properties. This amino acid position is conserved. In addition, this alteration is predicted to be tolerated by in silico analysis. Since supporting evidence is limited at this time, the clinical significance of this alteration remains unclear.

Labcorp Genetics (formerly Invitae), Labcorp
Classification: Uncertain significance. Last evaluated: 2023-07-21. Review status: criteria provided, single submitter. Criteria: Invitae Variant Classification Sherloc (09022015). Collection method: clinical testing. Allele origin: germline.
Comment: This sequence change replaces aspartic acid, which is acidic and polar, with glutamic acid, which is acidic and polar, at codon 325 of the CPA1 protein (p.Asp325Glu). This variant is present in population databases (rs782658284, gnomAD 0.003%). This variant has not been reported in the literature in individuals affected with CPA1-related conditions. ClinVar contains an entry for this variant (Variation ID: 1768094). Advanced modeling of protein sequence and biophysical properties (such as structural, functional, and spatial information, amino acid conservation, physicochemical variation, residue mobility, and thermodynamic stability) performed at Invitae indicates that this missense variant is not expected to disrupt CPA1 protein function. In summary, the available evidence is currently insufficient to determine the role of this variant in disease. Therefore, it has been classified as a Variant of Uncertain Significance.

Blueprint Genetics
Classification: Uncertain significance. Last evaluated: 2020-03-06. Review status: criteria provided, single submitter. Criteria: ACMG Guidelines, 2015. Collection method: clinical testing. Allele origin: germline.